The following is an entry in ClinVar:

ClinVar aggregate classification (germline): Uncertain significance (1 of 4 stars; one submission).

Conditions:
Multiple congenital anomalies-hypotonia-seizures syndrome 1 (MCAHS1). Also called: PIGN-CDG; Congenital disorder of glycosylation due to PIGN deficiency; GLYCOSYLPHOSPHATIDYLINOSITOL BIOSYNTHESIS DEFECT 3. Identifiers: Orphanet 280633, MedGen C3279775, MONDO:0013563, OMIM 614080.

Submission:

Juno Genomics, Hangzhou Juno Genomics, Inc
Classification: Uncertain significance for Multiple congenital anomalies-hypotonia-seizures syndrome 1. Review status: criteria provided, single submitter. Criteria: ACMG Guidelines, 2015. Collection method: clinical testing. Allele origin: germline.
Comment: Absent from controls (or at extremely low frequency if recessive) in Genome Aggregation Database.;Protein length changes due to in-frame deletions/insertions in a non-repeat region or stop-loss variants.

NM_176787.5(PIGN):c.1385TCA[1] (p.Ile463del)

Gene: PIGN (phosphatidylinositol glycan anchor biosynthesis class N; minus strand). Cytogenetic location: 18q21.33.
Variant type: Microsatellite.
Coding change: c.1385TCA[1] on transcript NM_176787.5 (MANE Select); one copy of the 3-base unit TCA starting at c.1385; the reference has two copies in a row; one copy, 3 bases deleted; also written c.1388_1390del.
Protein change: p.Ile463del; deletes isoleucine 463.
Molecular consequence: inframe deletion. On other transcripts: intron variant (1).
Genome position (GRCh38, 1-based): chr18:62,113,178-62,113,180, TGA deleted on the plus strand (TCA on the coding strand, the reverse complement: PIGN is on the minus strand); deleting any 3 consecutive bases within chr18:62,113,178-62,113,184 gives the same sequence; the position shown is the placement nearest the transcript's 3' end. VCF-style (leftmost placement, unchanged base first): chr18-62113177-TTGA-T. GRCh37 (hg19) VCF-style: chr18-59780410-TTGA-T.
Other names: c.1388_1390del (NM_176787.5); c.1385TCA[1], p.Ile463del (NM_001438896.1, NM_001438904.1, NM_001438905.1 and 1 more transcripts); c.1173-6095_1173-6093del (NM_001438910.1); short protein forms I463del.
Identifiers: ClinVar variation 5018921 (VCV005018921.2).
Genomic context (GRCh38, chr18:62,113,177, plus strand): 5'-ACATTTTCTAAACGTACCTTCACTTCTTTACTAACACCTTTTATAAGGTTGGAATGAGAC[TTGA>T]TGATCAACAAAGAGGCATAAGATATCCATCCCACAAAACCAATAACAACATTGACGCCCA-3'